The following is an entry in ClinVar:

NM_001267550.2(TTN):c.98023G>C (p.Val32675Leu)

Genes: TTN (titin; minus strand), TTN-AS1 (TTN antisense RNA 1; plus strand). Cytogenetic location: 2q31.2.
Variant type: single nucleotide variant.
Coding change: c.98023G>C on transcript NM_001267550.2 (MANE Select); coding-DNA position 98023, G replaced by C.
Protein change: p.Val32675Leu; replaces valine 32675 with leucine.
Molecular consequence: missense variant. On other transcripts: non-coding transcript variant (1).
Genome position (GRCh38, 1-based): chr2:178,540,143, C>G on the plus strand (G>C on the coding strand, the complement: TTN is on the minus strand). VCF-style: chr2-178540143-C-G. GRCh37 (hg19) VCF-style: chr2-179404870-C-G.
Other names: c.93100G>C, p.Val31034Leu (NM_001256850.1); c.70828G>C, p.Val23610Leu (NM_003319.4); c.90319G>C, p.Val30107Leu (NM_133378.4); c.71203G>C, p.Val23735Leu (NM_133432.3); c.71404G>C, p.Val23802Leu (NM_133437.4); short protein forms V23610L, V23735L, V23802L, V30107L, V31034L, V32675L.
Identifiers: ClinVar variation 2651584 (VCV002651584.24), dbSNP rs576274929, ClinGen allele CA349435130.
Genomic context (GRCh38, chr2:178,540,143, plus strand): 5'-CTTTGACTGTTCCTGGTACCTCAGCAGGCTCACCAGGTCCACCAGCATTACAAGCTAGGA[C>G]GCGGAACCTGTATTCTGCACCCTGAGGTAGGTGTGTTAGAGTATACTCTCGAATCTTGGT-3'
Protein context (NP_001254479.2, residues 32665-32685): LPQGAEYRFR[Val32675Leu]LACNAGGPGE

ClinVar aggregate classification (germline): Uncertain significance (1 of 4 stars; one submission).

gnomAD v4.1: 1 of 1,613,462 alleles (0.000062%); highest among the groups gnomAD compares: Non-Finnish European, 0.000085%; no homozygotes.

Submission:

CeGaT Center for Human Genetics Tuebingen
Classification: Uncertain significance. Last evaluated: 2022-11-01. Review status: criteria provided, single submitter. Criteria: CeGaT Center For Human Genetics Tuebingen Variant Classification Criteria Version 2. Collection method: clinical testing. Allele origin: germline. Affected: yes. Observed: 1 variant allele.
Comment: TTN: PM2, BP4